The following is an entry in ClinVar:

ClinVar aggregate classification (germline): Uncertain significance (1 of 4 stars; one submission).

Conditions:
Hereditary pancreatitis (PCTT). Also called: Hereditary chronic pancreatitis; PRSS1-Related Hereditary Pancreatitis. Identifiers: Orphanet 676, MedGen C0238339, MONDO:0008185, OMIM 167800.

Submission:

Ambry Genetics
Classification: Uncertain significance for Hereditary pancreatitis. Last evaluated: 2025-12-17. Review status: criteria provided, single submitter. Criteria: Ambry Variant Classification Scheme 2023. Collection method: clinical testing. Allele origin: germline.
Comment: The p.A244S variant (also known as c.730G>T), located in coding exon 7 of the CPA1 gene, results from a G to T substitution at nucleotide position 730. The alanine at codon 244 is replaced by serine, an amino acid with similar properties. This amino acid position is conserved. In addition, this alteration is predicted to be tolerated by in silico analysis. Based on the available evidence, the clinical significance of this variant remains unclear.

NM_001868.4(CPA1):c.730G>T (p.Ala244Ser)

Gene: CPA1 (carboxypeptidase A1; plus strand). Cytogenetic location: 7q32.2.
Variant type: single nucleotide variant.
Coding change: c.730G>T on transcript NM_001868.4 (MANE Select); coding-DNA position 730, G replaced by T.
Protein change: p.Ala244Ser; replaces alanine 244 with serine.
Molecular consequence: missense variant.
Genome position (GRCh38, 1-based): chr7:130,384,569, G>T. VCF-style: chr7-130384569-G-T. GRCh37 (hg19) VCF-style: chr7-130024410-G-T.
Other names: short protein forms A244S.
Identifiers: ClinVar variation 4841611 (VCV004841611.1).